The following is an entry in ClinVar:

ClinVar aggregate classification (germline): Likely pathogenic (1 of 4 stars; one submission).

Conditions:
Dyskeratosis congenita, autosomal recessive 6 (DKCB6). Identifiers: MedGen C4225356, MONDO:0014600, OMIM 616353.
Pulmonary fibrosis and/or bone marrow failure, Telomere-related, 4. Also called: PULMONARY FIBROSIS AND/OR BONE MARROW FAILURE SYNDROME, TELOMERE-RELATED, 4. Identifiers: Orphanet 2032, MedGen C4225347, MONDO:0014612, OMIM 616371.

Submission:

Labcorp Genetics (formerly Invitae), Labcorp
Classification: Likely pathogenic for Dyskeratosis congenita, autosomal recessive 6; Pulmonary fibrosis and/or bone marrow failure, Telomere-related, 4. Last evaluated: 2024-08-08. Review status: criteria provided, single submitter. Criteria: Invitae Variant Classification Sherloc (09022015). Collection method: clinical testing. Allele origin: germline.
Comment: This sequence change affects an acceptor splice site in intron 18 of the PARN gene. It is expected to disrupt RNA splicing. Variants that disrupt the donor or acceptor splice site typically lead to a loss of protein function (PMID: 16199547), and loss-of-function variants in PARN are known to be pathogenic (PMID: 9736620, 25848748, 26810774). This variant is not present in population databases (gnomAD no frequency). This variant has not been reported in the literature in individuals affected with PARN-related conditions. Algorithms developed to predict the effect of sequence changes on RNA splicing suggest that this variant may disrupt the consensus splice site. In summary, the currently available evidence indicates that the variant is pathogenic, but additional data are needed to prove that conclusively. Therefore, this variant has been classified as Likely Pathogenic.

Literature cited by the submitters: PubMed 16199547; PubMed 9736620; PubMed 25848748; PubMed 26810774.

NM_002582.4(PARN):c.1263-1G>A

Gene: PARN (poly(A)-specific ribonuclease; minus strand). Cytogenetic location: 16p13.12.
Variant type: single nucleotide variant.
Coding change: c.1263-1G>A on transcript NM_002582.4 (MANE Select); the canonical splice acceptor site of the intron before coding-DNA position 1263, G replaced by A.
Molecular consequence: splice acceptor variant.
Genome position (GRCh38, 1-based): chr16:14,555,710, C>T on the plus strand (G>A on the coding strand, the complement: PARN is on the minus strand). VCF-style: chr16-14555710-C-T. GRCh37 (hg19) VCF-style: chr16-14649567-C-T.
Other names: c.1080-1G>A (NM_001134477.3); c.1125-1G>A (NM_001242992.2).
Identifiers: ClinVar variation 3753298 (VCV003753298.2).
Genomic context (GRCh38, chr16:14,555,710, plus strand): 5'-TTACAGTCTGGTCCTTCCAAGTTTAGATAGGGGATATCCATGACCCTCATAAGAAATAAC[C>T]TACAAGAAGAAAAGACAAACAAGTAATGGGCAATTTCCTTTAAAAGACAGGCATTTTGCA-3'